The following is an entry in ClinVar:

NM_004977.3(KCNC3):c.2035G>A (p.Ala679Thr)

Gene: KCNC3 (potassium voltage-gated channel subfamily C member 3; minus strand). Cytogenetic location: 19q13.33.
Variant type: single nucleotide variant.
Coding change: c.2035G>A on transcript NM_004977.3 (MANE Select); coding-DNA position 2035, G replaced by A.
Protein change: p.Ala679Thr; replaces alanine 679 with threonine.
Molecular consequence: missense variant. On other transcripts: non-coding transcript variant (1).
Genome position (GRCh38, 1-based): chr19:50,320,728, C>T on the plus strand (G>A on the coding strand, the complement: KCNC3 is on the minus strand). VCF-style: chr19-50320728-C-T. GRCh37 (hg19) VCF-style: chr19-50823985-C-T.
Other names: c.1807G>A, p.Ala603Thr (NM_001372305.1); short protein forms A603T, A679T.
Identifiers: ClinVar variation 4883653 (VCV004883653.2).

ClinVar aggregate classification (germline): Uncertain significance (1 of 4 stars; one submission).

Submission:

Dasa
Classification: Uncertain significance. Last evaluated: 2025-01-15. Review status: criteria provided, single submitter. Criteria: DASA Assertion Criteria. Collection method: clinical testing. Allele origin: germline.
Comment: NM_004977.3(KCNC3):c.2035G>A (p.Ala679Thr) is a missense variant that results in the substitution of alanine with threonine. This variant is absent from population databases. Computational prediction algorithms are consistent with a benign effect. The currently available literature and clinical evidence are not sufficient to establish a definitive association between this variant and the reported condition. Therefore, this variant is classified as a variant of uncertain significance.